The following is an entry in ClinVar:

ClinVar aggregate classification (germline): Uncertain significance (0 of 4 stars; one submission).

Conditions:
Polycystic kidney disease. Also called: Polycystic kidney dysplasia; Kidney, Polycystic. Identifiers: MedGen C0022680, MeSH D007690, MONDO:0020642, HP:0000113.

Submission:

Department of Pathology and Laboratory Medicine, Sinai Health System
Classification: Uncertain significance for Polycystic Kidney disease. Review status: no assertion criteria provided. Collection method: clinical testing. Allele origin: unknown. Affected: yes. Study: The Canadian Open Genetics Repository (COGR).
Comment: The PKD1 p.Leu2276Val variant was not identified in the literature nor was it identified in the following databases: dbSNP, ClinVar, COGR, LOVD 3.0, ADPKD Mutation Database, PKD1-LOVD, the 1000 Genomes Project, the NHLBI GO Exome Sequencing Project, and the Exome Aggregation Consortium (August 8th 2016), or the Genome Aggregation Database (Feb 27, 2017). The p.Leu2276Val residue is conserved in mammals and other species and computational analyses (PolyPhen-2, SIFT, AlignGVGD, BLOSUM, MutationTaster) provide inconsistent predictions regarding the impact to the protein; this information is not very predictive of pathogenicity. The variant occurs outside of the splicing consensus sequence and in silico or computational prediction software programs (SpliceSiteFinder, MaxEntScan, NNSPLICE, GeneSplicer, HumanSpliceFinder) do not predict a difference in splicing. In summary, based on the above information the clinical significance of this variant cannot be determined with certainty at this time. This variant is classified as a variant of uncertain significance.

NM_001009944.3(PKD1):c.6826C>G (p.Leu2276Val)

Gene: PKD1 (polycystin 1, transient receptor potential channel interacting; minus strand). Cytogenetic location: 16p13.3.
Variant type: single nucleotide variant.
Coding change: c.6826C>G on transcript NM_001009944.3 (MANE Select); coding-DNA position 6826, C replaced by G.
Protein change: p.Leu2276Val; replaces leucine 2276 with valine.
Molecular consequence: missense variant.
Genome position (GRCh38, 1-based): chr16:2,108,341, G>C on the plus strand (C>G on the coding strand, the complement: PKD1 is on the minus strand). VCF-style: chr16-2108341-G-C. GRCh37 (hg19) VCF-style: chr16-2158342-G-C.
Other names: c.6826C>G, p.Leu2276Val (NM_000296.4); short protein forms L2276V.
Identifiers: ClinVar variation 997365 (VCV000997365.1), dbSNP rs2092413572, ClinGen allele CA394372820.